The following is an entry in ClinVar:

ClinVar aggregate classification (germline): Benign/Likely benign. Review status: criteria provided, multiple submitters, no conflicts (2 of 4 stars). 4 submissions from 4 submitters: Benign (1); Likely benign (2). 1 of the submissions does not count toward it. Last evaluated 2026-01-18.

Conditions:
EIF2B4-related disorder. Also called: EIF2B4-related condition.
Vanishing white matter disease. Also called: Childhood ataxia with diffuse central nervous system hypomyelination; Leukoencephalopathy with vanishing white matter; CACH/VWM syndrome; Cree leukoencehalopathy; CACH syndrome. Identifiers: Orphanet 135, Orphanet 99853, MedGen C1858991, MONDO:0800448.

Allele frequency attached by ClinVar (database versions not stated): gnomAD below 0.00001 and 0.00024; TOPMed 0.00002; gnomAD exomes 0.00068; ExAC 0.00076; 1000 Genomes Project 30x 0.00187; 1000 Genomes Project 0.00200.

Submissions (4):

Labcorp Genetics (formerly Invitae), Labcorp
Classification: Benign. Last evaluated: 2026-01-18. Review status: criteria provided, single submitter. Criteria: Invitae Variant Classification Sherloc (09022015). Collection method: clinical testing. Allele origin: germline.

CeGaT Center for Human Genetics Tuebingen
Classification: Likely benign. Last evaluated: 2024-01-01. Review status: criteria provided, single submitter. Criteria: CeGaT Center For Human Genetics Tuebingen Variant Classification Criteria Version 2. Collection method: clinical testing. Allele origin: germline. Affected: yes. Observed: 1 variant allele.
Comment: EIF2B4: BS2

Illumina Laboratory Services, Illumina
Classification: Likely benign for Leukoencephalopathy with vanishing white matter 1. Last evaluated: 2018-01-12. Review status: criteria provided, single submitter. Criteria: ICSL Variant Classification Criteria 13 December 2019. Collection method: clinical testing. Allele origin: germline.
Comment: This variant was observed in the ICSL laboratory as part of a predisposition screen in an ostensibly healthy population. It had not been previously curated by ICSL or reported in the Human Gene Mutation Database (HGMD: prior to June 1st, 2018), and was therefore a candidate for classification through an automated scoring system. Utilizing variant allele frequency, disease prevalence and penetrance estimates, and inheritance mode, an automated score was calculated to assess if this variant is too frequent to cause the disease. Based on the score and internal cut-off values, a variant classified as likely benign is not then subjected to further curation. The score for this variant resulted in a classification of likely benign for this disease.

PreventionGenetics, part of Exact Sciences
Classification: Likely benign for EIF2B4-related condition. Last evaluated: 2019-09-23. Review status: no assertion criteria provided. Collection method: clinical testing. Allele origin: germline. Not counted in ClinVar's aggregate classification.
Comment: This variant is classified as likely benign based on ACMG/AMP sequence variant interpretation guidelines (Richards et al. 2015 PMID: 25741868, with internal and published modifications).

NM_001034116.2(EIF2B4):c.938T>C (p.Val313Ala)

Genes: EIF2B4 (eukaryotic translation initiation factor 2B subunit delta; minus strand), GTF3C2-AS2 (GTF3C2 antisense RNA 2; plus strand). Cytogenetic location: 2p23.3.
Variant type: single nucleotide variant.
Coding change: c.938T>C on transcript NM_001034116.2 (MANE Select); coding-DNA position 938, T replaced by C.
Protein change: p.Val313Ala; replaces valine 313 with alanine.
Molecular consequence: missense variant.
Genome position (GRCh38, 1-based): chr2:27,367,149, A>G on the plus strand (T>C on the coding strand, the complement: EIF2B4 is on the minus strand). VCF-style: chr2-27367149-A-G. GRCh37 (hg19) VCF-style: chr2-27590016-A-G.
Other names: c.1001T>C, p.Val334Ala (NM_001318965.2); c.893T>C, p.Val298Ala (NM_001318966.2); c.845T>C, p.Val282Ala (NM_001318967.2); c.353T>C, p.Val118Ala (NM_001318968.2); c.320T>C, p.Val107Ala (NM_001318969.2); c.935T>C, p.Val312Ala (NM_015636.4); c.998T>C, p.Val333Ala (NM_172195.4); c.938T>C (NM_001034116.1); short protein forms V312A, V313A, V333A, V334A, V118A, V298A, V107A, V282A.
Identifiers: ClinVar variation 335538 (VCV000335538.34), dbSNP rs560532019, ClinGen allele CA1576698.